The following is an entry in ClinVar:

NM_001128159.3(VPS53):c.1867-71T>C

Gene: VPS53 (VPS53 subunit of GARP complex; minus strand). Cytogenetic location: 17p13.3.
Variant type: single nucleotide variant.
Coding change: c.1867-71T>C on transcript NM_001128159.3 (MANE Select); 71 bases into the intron before coding-DNA position 1867, T replaced by C.
Molecular consequence: intron variant.
Genome position (GRCh38, 1-based): chr17:537,247, A>G on the plus strand (T>C on the coding strand, the complement: VPS53 is on the minus strand). VCF-style: chr17-537247-A-G. GRCh37 (hg19) VCF-style: chr17-440487-A-G.
Other names: c.1780-71T>C (NM_018289.4); c.1867-71T>C (NM_001366253.2); c.1273-71T>C (NM_001366254.2).
Identifiers: ClinVar variation 670858 (VCV000670858.5), dbSNP rs12951098, ClinGen allele CA14392098.

ClinVar aggregate classification (germline): Benign. Review status: criteria provided, multiple submitters, no conflicts (2 of 4 stars). 3 submissions from 3 submitters: Benign (3). Last evaluated 2021-07-14.

Conditions:
Pontocerebellar hypoplasia type 2E. Identifiers: Orphanet 247198, MedGen C4014488, MONDO:0014370, OMIM 615851.

Allele frequency attached by ClinVar (database versions not stated): gnomAD 0.15268 and 0.15736; TOPMed 0.15494; 1000 Genomes Project 30x 0.16318; 1000 Genomes Project 0.16973.
gnomAD v4.1: 279,869 of 1,549,642 alleles (18%); highest among the groups gnomAD compares: South Asian, 27%; 26,903 homozygotes.

Submissions (3):

Genome-Nilou Lab
Classification: Benign for Pontocerebellar hypoplasia type 2E. Last evaluated: 2021-07-14. Review status: criteria provided, single submitter. Criteria: ACMG Guidelines, 2015. Collection method: clinical testing. Allele origin: germline. Affected: no.

GeneDx
Classification: Benign. Last evaluated: 2018-06-19. Review status: criteria provided, single submitter. Criteria: GeneDx Variant Classification (06012015). Collection method: clinical testing. Allele origin: germline. Affected: yes.
Comment: This variant is considered likely benign or benign based on one or more of the following criteria: it is a conservative change, it occurs at a poorly conserved position in the protein, it is predicted to be benign by multiple in silico algorithms, and/or has population frequency not consistent with disease.

Breakthrough Genomics
Classification: Benign. Review status: criteria provided, single submitter. Criteria: ACMG Guidelines, 2015. Collection method: not provided. Allele origin: germline. Inheritance: Autosomal recessive inheritance. Affected: yes.